The following is an entry in ClinVar:

ClinVar aggregate classification (germline): Likely pathogenic (1 of 4 stars; one submission).

Conditions:
Emery-Dreifuss muscular dystrophy 4, autosomal dominant (EDMD4). Also called: EMERY-DREIFUSS MUSCULAR DYSTROPHY 4 WITH VARIABLE FEATURES. Identifiers: Orphanet 261, MedGen C2751807, MONDO:0013071, OMIM 612998.
Autosomal recessive ataxia, Beauce type. Also called: Spinocerebellar ataxia, autosomal recessive 8; ATAXIA, RECESSIVE, OF BEAUCE; SYNE1 Deficiency; SYNE1-Related Autosomal Recessive Cerebellar Ataxia. Identifiers: Orphanet 88644, MedGen C1853116, MONDO:0012549, OMIM 610743.

Submission:

Labcorp Genetics (formerly Invitae), Labcorp
Classification: Likely pathogenic for Emery-Dreifuss muscular dystrophy 4, autosomal dominant; Autosomal recessive ataxia, Beauce type. Last evaluated: 2020-03-14. Review status: criteria provided, single submitter. Criteria: Invitae Variant Classification Sherloc (09022015). Collection method: clinical testing. Allele origin: germline.
Comment: This variant is not present in population databases (ExAC no frequency). In summary, the currently available evidence indicates that the variant is pathogenic, but additional data are needed to prove that conclusively. Therefore, this variant has been classified as Likely Pathogenic. Donor and acceptor splice site variants typically lead to a loss of protein function (PMID: 16199547), and loss-of-function variants in SYNE1 are known to be pathogenic (PMID: 19542096, 24319099, 27086870). Algorithms developed to predict the effect of sequence changes on RNA splicing suggest that this variant may disrupt the consensus splice site, but this prediction has not been confirmed by published transcriptional studies. This variant has not been reported in the literature in individuals with SYNE1-related conditions. This sequence change affects a donor splice site in intron 2 of the SYNE1 gene. It is expected to disrupt RNA splicing and likely results in an absent or disrupted protein product.

Literature cited by the submitters: PubMed 16199547; PubMed 19542096; PubMed 24319099; PubMed 27086870.

NM_182961.4(SYNE1):c.67+2T>A

Gene: SYNE1 (spectrin repeat containing nuclear envelope protein 1; minus strand). Cytogenetic location: 6q25.2.
Variant type: single nucleotide variant.
Coding change: c.67+2T>A on transcript NM_182961.4 (MANE Select); the canonical splice donor site of the intron after coding-DNA position 67, T replaced by A.
Molecular consequence: splice donor variant.
Genome position (GRCh38, 1-based): chr6:152,628,263, A>T on the plus strand (T>A on the coding strand, the complement: SYNE1 is on the minus strand). VCF-style: chr6-152628263-A-T. GRCh37 (hg19) VCF-style: chr6-152949398-A-T.
Other names: c.67+2T>A (NM_033071.5).
Identifiers: ClinVar variation 1065964 (VCV001065964.7), dbSNP rs762743107, ClinGen allele CA366215579.